The following is an entry in ClinVar:

ClinVar aggregate classification (germline): Benign (0 of 4 stars; one submission).

Conditions:
UNC5C-related disorder. Also called: UNC5C-related condition.

Allele frequency attached by ClinVar (database versions not stated): ESP Exome Variant Server 0.00092; gnomAD 0.00615; 1000 Genomes Project 0.01098; TOPMed 0.01119; 1000 Genomes Project 30x 0.01187.
gnomAD v4.1: 6,087 of 1,614,232 alleles (0.38%); highest among the groups gnomAD compares: Admixed American, 7.9%; 262 homozygotes.

Submission:

PreventionGenetics, part of Exact Sciences
Classification: Benign for UNC5C-related condition. Last evaluated: 2019-03-08. Review status: no assertion criteria provided. Collection method: clinical testing. Allele origin: germline.
Comment: This variant is classified as benign based on ACMG/AMP sequence variant interpretation guidelines (Richards et al. 2015 PMID: 25741868, with internal and published modifications).

NM_003728.4(UNC5C):c.2065C>G (p.Pro689Ala)

Gene: UNC5C (unc-5 netrin receptor C; minus strand). Cytogenetic location: 4q22.3.
Variant type: single nucleotide variant.
Coding change: c.2065C>G on transcript NM_003728.4 (MANE Select); coding-DNA position 2065, C replaced by G.
Protein change: p.Pro689Ala; replaces proline 689 with alanine.
Molecular consequence: missense variant.
Genome position (GRCh38, 1-based): chr4:95,202,802, G>C on the plus strand (C>G on the coding strand, the complement: UNC5C is on the minus strand). VCF-style: chr4-95202802-G-C. GRCh37 (hg19) VCF-style: chr4-96123953-G-C.
Other names: short protein forms P689A.
Identifiers: ClinVar variation 3056866 (VCV003056866.2), dbSNP rs117896462, ClinGen allele CA3015503.
Genomic context (GRCh38, chr4:95,202,802, plus strand): 5'-CCTGGGTGTCATCCAGACAGTAGACTCGGATGCTGTACTCCAGCGAGGAGCAGCACAGGG[G>C]CCCAAAGATGGCCAGCTTGAGGCGCTTCGCAGCCGCTTTGGTGGTGGAATGTCCTACCAG-3'
Protein context (NP_003719.3, residues 679-699): AKRLKLAIFG[Pro689Ala]LCCSSLEYSI